The following is an entry in ClinVar:

NM_020549.5(CHAT):c.1727A>T (p.Glu576Val)

Gene: CHAT (choline O-acetyltransferase; plus strand). Cytogenetic location: 10q11.23.
Variant type: single nucleotide variant.
Coding change: c.1727A>T on transcript NM_020549.5 (MANE Select); coding-DNA position 1727, A replaced by T.
Protein change: p.Glu576Val; replaces glutamic acid 576 with valine.
Molecular consequence: missense variant.
Genome position (GRCh38, 1-based): chr10:49,655,187, A>T. VCF-style: chr10-49655187-A-T. GRCh37 (hg19) VCF-style: chr10-50863233-A-T.
Other names: c.1373A>T, p.Glu458Val (NM_001142929.2, NM_001142934.2, NM_020984.4 and 2 more transcripts); c.1481A>T, p.Glu494Val (NM_001142933.2); short protein forms E458V, E494V, E576V.
Identifiers: ClinVar variation 2092080 (VCV002092080.4), dbSNP rs2538877983, ClinGen allele CA376747785.

ClinVar aggregate classification (germline): Uncertain significance (1 of 4 stars; one submission).

Conditions:
Familial infantile myasthenia (CMS6). Also called: Congenital myasthenic syndrome type 6; MYASTHENIC SYNDROME, PRESYNAPTIC, CONGENITAL, ASSOCIATED WITH EPISODIC APNEA; MYASTHENIC SYNDROME, CONGENITAL, 6, PRESYNAPTIC. Identifiers: Orphanet 590, MedGen C0393929, MONDO:0009689, OMIM 254210.

Submission:

Labcorp Genetics (formerly Invitae), Labcorp
Classification: Uncertain significance for Familial infantile myasthenia. Last evaluated: 2022-06-04. Review status: criteria provided, single submitter. Criteria: Invitae Variant Classification Sherloc (09022015). Collection method: clinical testing. Allele origin: germline.
Comment: This sequence change replaces glutamic acid, which is acidic and polar, with valine, which is neutral and non-polar, at codon 576 of the CHAT protein (p.Glu576Val). This variant is not present in population databases (gnomAD no frequency). This variant has not been reported in the literature in individuals affected with CHAT-related conditions. Algorithms developed to predict the effect of missense changes on protein structure and function are either unavailable or do not agree on the potential impact of this missense change (SIFT: "Deleterious"; PolyPhen-2: "Probably Damaging"; Align-GVGD: "Class C0"). In summary, the available evidence is currently insufficient to determine the role of this variant in disease. Therefore, it has been classified as a Variant of Uncertain Significance.